The following is an entry in ClinVar:

ClinVar aggregate classification (germline): Uncertain significance (1 of 4 stars; one submission).

Allele frequency attached by ClinVar (database versions not stated): ExAC 0.00001; ESP Exome Variant Server 0.00008.
gnomAD v4.1: 8 of 1,613,076 alleles (0.0005%); highest among the groups gnomAD compares: Non-Finnish European, 0.00068%; no homozygotes.

Submission:

Labcorp Genetics (formerly Invitae), Labcorp
Classification: Uncertain significance. Last evaluated: 2023-10-23. Review status: criteria provided, single submitter. Criteria: Invitae Variant Classification Sherloc (09022015). Collection method: clinical testing. Allele origin: germline.
Comment: This sequence change replaces tryptophan, which is neutral and slightly polar, with serine, which is neutral and polar, at codon 399 of the EPS8L2 protein (p.Trp399Ser). This variant is not present in population databases (gnomAD no frequency). This variant has not been reported in the literature in individuals affected with EPS8L2-related conditions. An algorithm developed to predict the effect of missense changes on protein structure and function (PolyPhen-2) suggests that this variant is likely to be disruptive. In summary, the available evidence is currently insufficient to determine the role of this variant in disease. Therefore, it has been classified as a Variant of Uncertain Significance.

NM_022772.4(EPS8L2):c.1196G>C (p.Trp399Ser)

Gene: EPS8L2 (EPS8 signaling adaptor L2; plus strand). Cytogenetic location: 11p15.5.
Variant type: single nucleotide variant.
Coding change: c.1196G>C on transcript NM_022772.4 (MANE Select); coding-DNA position 1196, G replaced by C.
Protein change: p.Trp399Ser; replaces tryptophan 399 with serine.
Molecular consequence: missense variant.
Genome position (GRCh38, 1-based): chr11:722,537, G>C. VCF-style: chr11-722537-G-C. GRCh37 (hg19) VCF-style: chr11-722537-G-C.
Other names: short protein forms W399S.
Identifiers: ClinVar variation 2920177 (VCV002920177.3), dbSNP rs141743910, ClinGen allele CA5787530.